The following is an entry in ClinVar:

NM_017763.6(RNF43):c.367G>A (p.Ala123Thr)

Gene: RNF43 (ring finger protein 43; minus strand). Cytogenetic location: 17q22.
Variant type: single nucleotide variant.
Coding change: c.367G>A on transcript NM_017763.6 (MANE Select); coding-DNA position 367, G replaced by A.
Protein change: p.Ala123Thr; replaces alanine 123 with threonine.
Molecular consequence: missense variant.
Genome position (GRCh38, 1-based): chr17:58,370,919, C>T on the plus strand (G>A on the coding strand, the complement: RNF43 is on the minus strand). VCF-style: chr17-58370919-C-T. GRCh37 (hg19) VCF-style: chr17-56448280-C-T.
Other names: c.367G>A, p.Ala123Thr (NM_001305544.3); c.-15G>A (NM_001305545.2); short protein forms A123T.
Identifiers: ClinVar variation 3789944 (VCV003789944.2).
Genomic context (GRCh38, chr17:58,370,919, plus strand): 5'-GCCCAGAGCTGGGTGAAGCTCCGGGTGTGTGTAGGGCGAAGTGTGAGTCTACCTTGCTAG[C>T]CAGTGACAGGCAGGGGCGGGGGGCCCGTCGAGGACTCTCCAGCTTGACGATGCTGATGAA-3'
Protein context (NP_060233.3, residues 113-133): RRAPRPCLSL[Ala123Thr]SKARMAGERG

ClinVar aggregate classification (germline): Uncertain significance. Review status: criteria provided, multiple submitters, no conflicts (2 of 4 stars). 2 submissions from 2 submitters: Uncertain significance (2). Last evaluated 2025-07-07.

Submissions (2):

Labcorp Genetics (formerly Invitae), Labcorp
Classification: Uncertain significance. Last evaluated: 2025-07-07. Review status: criteria provided, single submitter. Criteria: Invitae Variant Classification Sherloc (09022015). Collection method: clinical testing. Allele origin: germline.
Comment: This sequence change replaces alanine, which is neutral and non-polar, with threonine, which is neutral and polar, at codon 123 of the RNF43 protein (p.Ala123Thr). This variant is not present in population databases (gnomAD no frequency). This variant has not been reported in the literature in individuals affected with RNF43-related conditions. ClinVar contains an entry for this variant (Variation ID: 3789944). An algorithm developed to predict the effect of missense changes on protein structure and function (PolyPhen-2) suggests that this variant is likely to be disruptive. In summary, the available evidence is currently insufficient to determine the role of this variant in disease. Therefore, it has been classified as a Variant of Uncertain Significance.

Ambry Genetics
Classification: Uncertain significance. Last evaluated: 2025-02-15. Review status: criteria provided, single submitter. Criteria: Ambry Variant Classification Scheme 2023. Collection method: clinical testing. Allele origin: germline.
Comment: The p.A123T variant (also known as c.367G>A), located in coding exon 2 of the RNF43 gene, results from a G to A substitution at nucleotide position 367. The alanine at codon 123 is replaced by threonine, an amino acid with similar properties. This amino acid position is conserved. In addition, this alteration is predicted to be tolerated by in silico analysis. Based on the available evidence, the clinical significance of this variant remains unclear.